The following is an entry in ClinVar:

ClinVar aggregate classification (germline): Uncertain significance. Review status: criteria provided, multiple submitters, no conflicts (2 of 4 stars). 2 submissions from 2 submitters: Uncertain significance (2). Last evaluated 2022-03-19.

Conditions:
Succinate-semialdehyde dehydrogenase deficiency (SSADHD). Also called: Succinic Semialdehyde Dehydrogenase Deficiency; 4-HYDROXYBUTYRIC ACIDURIA; GABA METABOLIC DEFECT; SSADH DEFICIENCY. Identifiers: Orphanet 22, MedGen C0268631, MONDO:0010083, OMIM 271980.

Allele frequency attached by ClinVar (database versions not stated): TOPMed 0.00001.
gnomAD v4.1: 15 of 1,611,826 alleles (0.00093%); highest among the groups gnomAD compares: East Asian, 0.0022%; no homozygotes.

Submissions (2):

Labcorp Genetics (formerly Invitae), Labcorp
Classification: Uncertain significance for Succinate-semialdehyde dehydrogenase deficiency. Last evaluated: 2022-03-19. Review status: criteria provided, single submitter. Criteria: Invitae Variant Classification Sherloc (09022015). Collection method: clinical testing. Allele origin: germline.
Comment: This sequence change replaces arginine, which is basic and polar, with glutamine, which is neutral and polar, at codon 261 of the ALDH5A1 protein (p.Arg261Gln). This variant is present in population databases (rs772361710, gnomAD 0.01%). This variant has not been reported in the literature in individuals affected with ALDH5A1-related conditions. ClinVar contains an entry for this variant (Variation ID: 904926). Advanced modeling of protein sequence and biophysical properties (such as structural, functional, and spatial information, amino acid conservation, physicochemical variation, residue mobility, and thermodynamic stability) performed at Invitae indicates that this missense variant is not expected to disrupt ALDH5A1 protein function. Algorithms developed to predict the effect of sequence changes on RNA splicing suggest that this variant may disrupt the consensus splice site. In summary, the available evidence is currently insufficient to determine the role of this variant in disease. Therefore, it has been classified as a Variant of Uncertain Significance.

Illumina Laboratory Services, Illumina
Classification: Uncertain significance for Succinate-semialdehyde dehydrogenase deficiency. Last evaluated: 2017-04-27. Review status: criteria provided, single submitter. Criteria: ICSL Variant Classification Criteria 13 December 2019. Collection method: clinical testing. Allele origin: germline.

NM_001080.3(ALDH5A1):c.782G>A (p.Arg261Gln)

Gene: ALDH5A1 (aldehyde dehydrogenase 5 family member A1; plus strand). Cytogenetic location: 6p22.3.
Variant type: single nucleotide variant.
Coding change: c.782G>A on transcript NM_001080.3 (MANE Select); coding-DNA position 782, G replaced by A.
Protein change: p.Arg261Gln; replaces arginine 261 with glutamine.
Molecular consequence: missense variant. On other transcripts: intron variant (1).
Genome position (GRCh38, 1-based): chr6:24,515,222, G>A. VCF-style: chr6-24515222-G-A. GRCh37 (hg19) VCF-style: chr6-24515450-G-A.
Other names: c.821G>A, p.Arg274Gln (NM_170740.1); c.727-5179G>A (NM_001368954.1); short protein forms R261Q, R274Q.
Identifiers: ClinVar variation 904926 (VCV000904926.9), dbSNP rs772361710, ClinGen allele CA3656749.